The following is an entry in ClinVar:

ClinVar aggregate classification (germline): Pathogenic (1 of 4 stars; one submission).

Conditions:
Tay-Sachs disease (TSD). Also called: HEXA Disorders; HEXA DEFICIENCY; GM2 gangliosidosis, type 1; Hexosaminidase alpha-subunit deficiency (variant B); Sphingolipidosis, Tay-Sachs; Hexosaminidase A Deficiency. Identifiers: Orphanet 845, MedGen C0039373, MONDO:0010100, OMIM 272800.

Submission:

Labcorp Genetics (formerly Invitae), Labcorp
Classification: Pathogenic for Tay-Sachs disease. Last evaluated: 2022-06-09. Review status: criteria provided, single submitter. Criteria: Invitae Variant Classification Sherloc (09022015). Collection method: clinical testing. Allele origin: germline.
Comment: For these reasons, this variant has been classified as Pathogenic. This variant disrupts a region of the HEXA protein in which other variant(s) (p.Arg510*) have been determined to be pathogenic (PMID: 21567908, 22789865, 27896118). This suggests that this is a clinically significant region of the protein, and that variants that disrupt it are likely to be disease-causing. Variants that disrupt the consensus splice site are a relatively common cause of aberrant splicing (PMID: 17576681, 9536098). Algorithms developed to predict the effect of sequence changes on RNA splicing suggest that this variant may disrupt the consensus splice site. This variant has not been reported in the literature in individuals affected with HEXA-related conditions. This variant is not present in population databases (gnomAD no frequency). This sequence change affects a donor splice site in intron 13 of the HEXA gene. While this variant is not anticipated to result in nonsense mediated decay, it likely alters RNA splicing and results in a disrupted protein product.

Literature cited by the submitters: PubMed 21567908; PubMed 22789865; PubMed 27896118; PubMed 17576681; PubMed 9536098.

NM_000520.6(HEXA):c.1526+1G>A

Gene: HEXA (hexosaminidase subunit alpha; minus strand). Cytogenetic location: 15q23.
Variant type: single nucleotide variant.
Coding change: c.1526+1G>A on transcript NM_000520.6 (MANE Select); the canonical splice donor site of the intron after coding-DNA position 1526, G replaced by A.
Molecular consequence: splice donor variant. On other transcripts: non-coding transcript variant (1).
Genome position (GRCh38, 1-based): chr15:72,345,445, C>T on the plus strand (G>A on the coding strand, the complement: HEXA is on the minus strand). VCF-style: chr15-72345445-C-T. GRCh37 (hg19) VCF-style: chr15-72637786-C-T.
Other names: c.1559+1G>A (NM_001318825.2).
Identifiers: ClinVar variation 1985481 (VCV001985481.4), dbSNP rs1309204908, ClinGen allele CA393058407.
Genomic context (GRCh38, chr15:72,345,445, plus strand): 5'-GGGGTTCCCCAGCCCTGGATCTGGCCTGCTCCGCCTTGCGAAGGCCCCACAGCTTGCTTA[C>T]CTCAGCAATTCACAGCGGAAGTGTGACAAACGTTCATAGGCAAATGTCAGGTCAGATGTC-3'